The following is an entry in ClinVar:

ClinVar aggregate classification (germline): Uncertain significance (1 of 4 stars; one submission).

Conditions:
Intellectual developmental disorder, X-linked, syndromic, Raymond type. Also called: Syndromic X-linked intellectual disability Raymond type. Identifiers: MedGen C3275406, MONDO:0010427, OMIM 300799.

Submission:

3billion
Classification: Uncertain significance for Intellectual developmental disorder, X-linked, syndromic, Raymond type. Last evaluated: 2022-09-01. Review status: criteria provided, single submitter. Criteria: ACMG Guidelines, 2015. Collection method: clinical testing. Allele origin: germline. Affected: yes. Observed: 1 hemizygote.
Comment: The variant is not observed in the gnomAD v2.1.1 dataset. In silico tool predictions suggest damaging effect of the variant on gene or gene product (REVEL: 0.65; 3Cnet: 0.92). This variant is classified as uncertain significance according to the recommendation of ACMG/AMP guideline.

NM_016032.4(ZDHHC9):c.566T>C (p.Leu189Pro)

Gene: ZDHHC9 (zDHHC palmitoyltransferase 9; minus strand). Cytogenetic location: Xq26.1.
Variant type: single nucleotide variant.
Coding change: c.566T>C on transcript NM_016032.4 (MANE Select); coding-DNA position 566, T replaced by C.
Protein change: p.Leu189Pro; replaces leucine 189 with proline.
Molecular consequence: missense variant.
Genome position (GRCh38, 1-based): chrX:129,814,717, A>G on the plus strand (T>C on the coding strand, the complement: ZDHHC9 is on the minus strand). VCF-style: chrX-129814717-A-G. GRCh37 (hg19) VCF-style: chrX-128948693-A-G.
Other names: c.566T>C, p.Leu189Pro (NM_001008222.3); short protein forms L189P.
Identifiers: ClinVar variation 1705288 (VCV001705288.1), dbSNP rs2522189233, ClinGen allele CA414586465.
Genomic context (GRCh38, chrX:129,814,717, plus strand): 5'-CTGAGGGCCACATAGACGATGTTGAAGGCGAAGACATAGATTGTGAGGAGGGAGAGAGAA[A>G]GGATGAAGAGGTAGAAGTAGCGGTAGTTCCTCTTTCCAACACAATTCCCCACCCAGGGGC-3'
Protein context (NP_057116.2, residues 179-199): RNYRYFYLFI[Leu189Pro]SLSLLTIYVF